The following is an entry in ClinVar:

NM_005909.5(MAP1B):c.6623G>A (p.Arg2208His)

Gene: MAP1B (microtubule associated protein 1B; plus strand). Cytogenetic location: 5q13.2.
Variant type: single nucleotide variant.
Coding change: c.6623G>A on transcript NM_005909.5 (MANE Select); coding-DNA position 6623, G replaced by A.
Protein change: p.Arg2208His; replaces arginine 2208 with histidine.
Molecular consequence: missense variant.
Genome position (GRCh38, 1-based): chr5:72,199,978, G>A. VCF-style: chr5-72199978-G-A. GRCh37 (hg19) VCF-style: chr5-71495805-G-A.
Other names: c.6245G>A, p.Arg2082His (NM_001324255.2); short protein forms R2082H, R2208H.
Identifiers: ClinVar variation 4981053 (VCV004981053.1).

ClinVar aggregate classification (germline): Likely benign (1 of 4 stars; one submission).

Conditions:
MAP1B-related disorder. Also called: MAP1B-related condition.

gnomAD v4.1: 682 of 1,614,162 alleles (0.042%); highest among the groups gnomAD compares: East Asian, 1.5%; 16 homozygotes.

Submission:

PreventionGenetics, part of Exact Sciences
Classification: Likely benign for MAP1B-related condition. Last evaluated: 2025-03-26. Review status: criteria provided, single submitter. Criteria: ACMG Guidelines, 2015. Collection method: clinical testing. Allele origin: germline.
Comment: This variant is classified as likely benign based on ACMG/AMP sequence variant interpretation guidelines (Richards et al. 2015 PMID: 25741868, with internal and published modifications).